The following is an entry in ClinVar:

ClinVar aggregate classification (germline): Uncertain significance (1 of 4 stars; one submission).

Conditions:
Familial cancer of breast. Also called: Hereditary breast cancer; BREAST CANCER, FAMILIAL; hereditary breast carcinoma. Identifiers: Orphanet 227535, MedGen C0346153, MONDO:0016419, OMIM 114480. Disease mechanism: loss of function.

Submission:

Labcorp Genetics (formerly Invitae), Labcorp
Classification: Uncertain significance for Familial cancer of breast. Last evaluated: 2023-10-17. Review status: criteria provided, single submitter. Criteria: Invitae Variant Classification Sherloc (09022015). Collection method: clinical testing. Allele origin: germline.
Comment: This sequence change replaces leucine, which is neutral and non-polar, with arginine, which is basic and polar, at codon 486 of the CHEK2 protein (p.Leu486Arg). This variant is not present in population databases (gnomAD no frequency). This variant has not been reported in the literature in individuals affected with CHEK2-related conditions. An algorithm developed to predict the effect of missense changes on protein structure and function (PolyPhen-2) suggests that this variant is likely to be disruptive. In summary, the available evidence is currently insufficient to determine the role of this variant in disease. Therefore, it has been classified as a Variant of Uncertain Significance.

NM_007194.4(CHEK2):c.1457T>G (p.Leu486Arg)

Gene: CHEK2 (checkpoint kinase 2; minus strand). Cytogenetic location: 22q12.1.
Variant type: single nucleotide variant.
Coding change: c.1457T>G on transcript NM_007194.4 (MANE Select); coding-DNA position 1457, T replaced by G.
Protein change: p.Leu486Arg; replaces leucine 486 with arginine.
Molecular consequence: missense variant.
Genome position (GRCh38, 1-based): chr22:28,694,036, A>C on the plus strand (T>G on the coding strand, the complement: CHEK2 is on the minus strand). VCF-style: chr22-28694036-A-C. GRCh37 (hg19) VCF-style: chr22-29090024-A-C.
Other names: c.1586T>G, p.Leu529Arg (NM_001005735.3); c.794T>G, p.Leu265Arg (NM_001257387.3); c.1256T>G, p.Leu419Arg (NM_001349956.3); c.1370T>G, p.Leu457Arg (NM_145862.3); short protein forms L419R, L265R, L457R, L486R, L529R.
Identifiers: ClinVar variation 2768593 (VCV002768593.3), dbSNP rs1569109928, ClinGen allele CA411093915.